The following is an entry in ClinVar:

ClinVar aggregate classification (germline): Uncertain significance (1 of 4 stars; one submission).

Submission:

Labcorp Genetics (formerly Invitae), Labcorp
Classification: Uncertain significance. Last evaluated: 2023-12-14. Review status: criteria provided, single submitter. Criteria: Invitae Variant Classification Sherloc (09022015). Collection method: clinical testing. Allele origin: germline.
Comment: This sequence change replaces leucine, which is neutral and non-polar, with phenylalanine, which is neutral and non-polar, at codon 1166 of the FOCAD protein (p.Leu1166Phe). This variant is not present in population databases (gnomAD no frequency). This variant has not been reported in the literature in individuals affected with FOCAD-related conditions. Experimental studies and prediction algorithms are not available or were not evaluated, and the functional significance of this variant is currently unknown. In summary, the available evidence is currently insufficient to determine the role of this variant in disease. Therefore, it has been classified as a Variant of Uncertain Significance.

NM_001375567.1(FOCAD):c.3496C>T (p.Leu1166Phe)

Gene: FOCAD (focadhesin; plus strand). Cytogenetic location: 9p21.3.
Variant type: single nucleotide variant.
Coding change: c.3496C>T on transcript NM_001375567.1 (MANE Select); coding-DNA position 3496, C replaced by T.
Protein change: p.Leu1166Phe; replaces leucine 1166 with phenylalanine.
Molecular consequence: missense variant.
Genome position (GRCh38, 1-based): chr9:20,944,715, C>T. VCF-style: chr9-20944715-C-T. GRCh37 (hg19) VCF-style: chr9-20944714-C-T.
Other names: c.3391C>T, p.Leu1131Phe (NM_001375568.1, NM_001375570.1); c.3496C>T, p.Leu1166Phe (NM_017794.5); short protein forms L1131F, L1166F.
Identifiers: ClinVar variation 2909519 (VCV002909519.3), dbSNP rs1837012725, ClinGen allele CA373053111.